The following is an entry in ClinVar:

ClinVar aggregate classification (germline): Uncertain significance (1 of 4 stars; one submission).

Conditions:
Hyperkalemic periodic paralysis. Also called: Familial hyperkalemic periodic paralysis; Gamstorp disease. Identifiers: Orphanet 682, MedGen C0238357, MONDO:0008224, OMIM 170500, HP:0007215.

Submission:

Labcorp Genetics (formerly Invitae), Labcorp
Classification: Uncertain significance for Hyperkalemic periodic paralysis. Last evaluated: 2022-06-23. Review status: criteria provided, single submitter. Criteria: Invitae Variant Classification Sherloc (09022015). Collection method: clinical testing. Allele origin: germline.
Comment: In summary, the available evidence is currently insufficient to determine the role of this variant in disease. Therefore, it has been classified as a Variant of Uncertain Significance. Algorithms developed to predict the effect of missense changes on protein structure and function are either unavailable or do not agree on the potential impact of this missense change (SIFT: "Deleterious"; PolyPhen-2: "Benign"; Align-GVGD: "Class C15"). This missense change has been observed in individual(s) with paramyotonia congenita (PMID: 31567646). This variant is not present in population databases (gnomAD no frequency). This sequence change replaces phenylalanine, which is neutral and non-polar, with tyrosine, which is neutral and polar, at codon 621 of the SCN4A protein (p.Phe621Tyr).

Literature cited by the submitters: PubMed 31567646.

NM_000334.4(SCN4A):c.1862T>A (p.Phe621Tyr)

Gene: SCN4A (sodium voltage-gated channel alpha subunit 4; minus strand). Cytogenetic location: 17q23.3.
Variant type: single nucleotide variant.
Coding change: c.1862T>A on transcript NM_000334.4 (MANE Select); coding-DNA position 1862, T replaced by A.
Protein change: p.Phe621Tyr; replaces phenylalanine 621 with tyrosine.
Molecular consequence: missense variant.
Genome position (GRCh38, 1-based): chr17:63,959,422, A>T on the plus strand (T>A on the coding strand, the complement: SCN4A is on the minus strand). VCF-style: chr17-63959422-A-T. GRCh37 (hg19) VCF-style: chr17-62036782-A-T.
Other names: short protein forms F621Y.
Identifiers: ClinVar variation 1918175 (VCV001918175.5), dbSNP rs2509308214, ClinGen allele CA400632583.